The following is an entry in ClinVar:

ClinVar aggregate classification (germline): Uncertain significance. Review status: criteria provided, multiple submitters, no conflicts (2 of 4 stars). 2 submissions from 2 submitters: Uncertain significance (2). Last evaluated 2024-06-04.

Conditions:
Ataxia-telangiectasia syndrome (AT). Also called: Ataxia-telangiectasia, complementation group D; ATAXIA-TELANGIECTASIA, COMPLEMENTATION GROUP A; ATAXIA-TELANGIECTASIA, FRESNO VARIANT; Ataxia-telangiectasia, complementation group E; Cerebello-oculocutaneous telangiectasia; Immunodeficiency with ataxia telangiectasia. Identifiers: Orphanet 100, MedGen C0004135, MONDO:0008840, OMIM 208900.
Hereditary cancer-predisposing syndrome. Also called: Hereditary Cancer Syndrome; Neoplastic Syndromes, Hereditary; Tumor predisposition; Hereditary neoplastic syndrome. Identifiers: Orphanet 140162, MedGen C0027672, MeSH D009386, MONDO:0015356.

Allele frequency attached by ClinVar (database versions not stated): gnomAD exomes below 0.00001.

Submissions (2):

Color Diagnostics, LLC DBA Color Health
Classification: Uncertain significance for Hereditary cancer-predisposing syndrome. Last evaluated: 2024-06-04. Review status: criteria provided, single submitter. Criteria: ACMG Guidelines, 2015. Collection method: clinical testing. Allele origin: germline.
Comment: This missense variant replaces valine with isoleucine at codon 60 of the ATM protein. Computational prediction suggests that this variant may not impact protein structure and function. To our knowledge, functional studies have not been reported for this variant. This variant has not been reported in individuals affected with ATM-related disorders in the literature. This variant has been identified in 1/250388 chromosomes in the general population by the Genome Aggregation Database (gnomAD). The available evidence is insufficient to determine the role of this variant in disease conclusively. Therefore, this variant is classified as a Variant of Uncertain Significance.

Labcorp Genetics (formerly Invitae), Labcorp
Classification: Uncertain significance for Ataxia-telangiectasia syndrome. Last evaluated: 2024-02-15. Review status: criteria provided, single submitter. Criteria: Invitae Variant Classification Sherloc (09022015). Collection method: clinical testing. Allele origin: germline.
Comment: This sequence change replaces valine, which is neutral and non-polar, with isoleucine, which is neutral and non-polar, at codon 60 of the ATM protein (p.Val60Ile). This variant is present in population databases (no rsID available, gnomAD 0.01%). This variant has not been reported in the literature in individuals affected with ATM-related conditions. ClinVar contains an entry for this variant (Variation ID: 1352316). Advanced modeling of protein sequence and biophysical properties (such as structural, functional, and spatial information, amino acid conservation, physicochemical variation, residue mobility, and thermodynamic stability) performed at Invitae indicates that this missense variant is not expected to disrupt ATM protein function with a negative predictive value of 95%. In summary, the available evidence is currently insufficient to determine the role of this variant in disease. Therefore, it has been classified as a Variant of Uncertain Significance.

NM_000051.4(ATM):c.178G>A (p.Val60Ile)

Gene: ATM (ATM serine/threonine kinase; plus strand). Cytogenetic location: 11q22.3.
Variant type: single nucleotide variant.
Coding change: c.178G>A on transcript NM_000051.4 (MANE Select); coding-DNA position 178, G replaced by A.
Protein change: p.Val60Ile; replaces valine 60 with isoleucine.
Molecular consequence: missense variant.
Genome position (GRCh38, 1-based): chr11:108,227,881, G>A. VCF-style: chr11-108227881-G-A. GRCh37 (hg19) VCF-style: chr11-108098608-G-A.
Other names: c.178G>A, p.Val60Ile (NM_001351836.2, NM_001351834.2, NM_001351835.2); short protein forms V60I.
Identifiers: ClinVar variation 1352316 (VCV001352316.7), dbSNP rs1166668199, ClinGen allele CA382520627.